The following is an entry in ClinVar:

ClinVar aggregate classification (germline): Likely benign (1 of 4 stars; one submission).

Conditions:
PLXNA4-related disorder. Also called: PLXNA4-related condition.

gnomAD v4.1: 84 of 1,614,136 alleles (0.0052%); highest among the groups gnomAD compares: Non-Finnish European, 0.0066%; no homozygotes.

Submission:

PreventionGenetics, part of Exact Sciences
Classification: Likely benign for PLXNA4-related condition. Last evaluated: 2026-04-16. Review status: criteria provided, single submitter. Criteria: ACMG Guidelines, 2015. Collection method: clinical testing. Allele origin: germline.
Comment: This variant is classified as likely benign based on ACMG/AMP sequence variant interpretation guidelines (Richards et al. 2015 PMID: 25741868, with internal and published modifications).

NM_020911.2(PLXNA4):c.3312T>C (p.Gly1104=)

Gene: PLXNA4 (plexin A4; minus strand). Cytogenetic location: 7q32.3.
Variant type: single nucleotide variant.
Coding change: c.3312T>C on transcript NM_020911.2 (MANE Select); coding-DNA position 3312, T replaced by C.
Protein change: p.Gly1104=; no amino-acid change (glycine 1104 retained).
Molecular consequence: synonymous variant.
Genome position (GRCh38, 1-based): chr7:132,181,561, A>G on the plus strand (T>C on the coding strand, the complement: PLXNA4 is on the minus strand). VCF-style: chr7-132181561-A-G. GRCh37 (hg19) VCF-style: chr7-131866320-A-G.
Other names: c.3312T>C, p.Gly1104= (NM_001393897.1).
Identifiers: ClinVar variation 4978157 (VCV004978157.1).